The following is an entry in ClinVar:

NM_000404.4(GLB1):c.1095C>T (p.Ile365=)

Gene: GLB1 (galactosidase beta 1; minus strand). Cytogenetic location: 3p22.3.
Variant type: single nucleotide variant.
Coding change: c.1095C>T on transcript NM_000404.4 (MANE Select); coding-DNA position 1095, C replaced by T.
Protein change: p.Ile365=; no amino-acid change (isoleucine 365 retained).
Molecular consequence: synonymous variant.
Genome position (GRCh38, 1-based): chr3:33,024,299, G>A on the plus strand (C>T on the coding strand, the complement: GLB1 is on the minus strand). VCF-style: chr3-33024299-G-A. GRCh37 (hg19) VCF-style: chr3-33065791-G-A.
Other names: c.1005C>T, p.Ile335= (NM_001079811.3); c.702C>T, p.Ile234= (NM_001135602.3); c.1239C>T, p.Ile413= (NM_001317040.2); c.1095C>T, p.Ile365= (NM_001393580.1); c.1095C>T (NM_000404.3).
Identifiers: ClinVar variation 899440 (VCV000899440.37), dbSNP rs200762972, ClinGen allele CA2299502.
Genomic context (GRCh38, chr3:33,024,299, plus strand): 5'-TTTTTTTCTTACCTTTTCCAAAGTGACCTTTCCATATGCAAACTTTGGTGTAGATGGAGG[G>A]ATAGGACCTTCTGGTACTTTTTCAAACTATAAACCAGAGTAGAAAAAGAGAGAAAAGAAA-3'
Protein context (NP_000395.3, residues 355-375): QKFEKVPEGP[Ile365=]PPSTPKFAYG

ClinVar aggregate classification (germline): Conflicting classifications of pathogenicity. Review status: criteria provided, conflicting classifications (1 of 4 stars). 6 submissions from 5 submitters: Uncertain significance (2); Likely benign (3). 1 of the submissions does not count toward it. Last evaluated 2026-01-25.

Conditions:
GM1 gangliosidosis. Identifiers: Orphanet 354, MedGen C0085131, MONDO:0018149.
GLB1-related disorder. Also called: GLB1-related disorders. Identifiers: MedGen CN377807.
Mucopolysaccharidosis, MPS-IV-B (MPS4B). Also called: MORQUIO SYNDROME B; Mucopolysaccharidosis Type IVB; Mucopolysaccharidosis type IV B; Mucopolysaccharidosis Type IVB (Morquio B Disease); Mucopolysaccharidosis type IVB (Morquio); MPS IVB. Identifiers: Orphanet 309310, Orphanet 582, MedGen C0086652, MONDO:0009660, OMIM 253010.

Allele frequency attached by ClinVar (database versions not stated): ESP Exome Variant Server 0.00009; gnomAD 0.00014 and 0.00015; TOPMed 0.00014; gnomAD exomes 0.00021; ExAC 0.00024.
gnomAD v4.1: 157 of 1,586,670 alleles (0.0099%); highest among the groups gnomAD compares: Admixed American, 0.026%; no homozygotes.

Submissions (6):

Labcorp Genetics (formerly Invitae), Labcorp
Classification: Likely benign for Mucopolysaccharidosis, MPS-IV-B; GM1 gangliosidosis. Last evaluated: 2026-01-25. Review status: criteria provided, single submitter. Criteria: Invitae Variant Classification Sherloc (09022015). Collection method: clinical testing. Allele origin: germline.

Blueprint Genetics
Classification: Likely benign. Last evaluated: 2024-10-16. Review status: criteria provided, single submitter. Criteria: ACMG Guidelines, 2015. Collection method: clinical testing. Allele origin: germline.

CeGaT Center for Human Genetics Tuebingen
Classification: Likely benign. Last evaluated: 2022-06-01. Review status: criteria provided, single submitter. Criteria: CeGaT Center For Human Genetics Tuebingen Variant Classification Criteria Version 2. Collection method: clinical testing. Allele origin: germline. Affected: yes. Observed: 1 variant allele.
Comment: GLB1: BP4, BP7

Illumina Laboratory Services, Illumina
Classification: Uncertain significance for GM1 gangliosidosis. Last evaluated: 2018-01-13. Review status: criteria provided, single submitter. Criteria: ICSL Variant Classification Criteria 13 December 2019. Collection method: clinical testing. Allele origin: germline.

Illumina Laboratory Services, Illumina
Classification: Uncertain significance for Mucopolysaccharidosis, MPS-IV-B. Last evaluated: 2018-01-13. Review status: criteria provided, single submitter. Criteria: ICSL Variant Classification Criteria 13 December 2019. Collection method: clinical testing. Allele origin: germline.

PreventionGenetics, part of Exact Sciences
Classification: Likely benign for GLB1-related condition. Last evaluated: 2019-09-18. Review status: no assertion criteria provided. Collection method: clinical testing. Allele origin: germline. Not counted in ClinVar's aggregate classification.
Comment: This variant is classified as likely benign based on ACMG/AMP sequence variant interpretation guidelines (Richards et al. 2015 PMID: 25741868, with internal and published modifications).